The following is an entry in ClinVar:

NM_000388.4(CASR):c.1280T>C (p.Ile427Thr)

Gene: CASR (calcium sensing receptor; plus strand). Cytogenetic location: 3q21.1.
Variant type: single nucleotide variant.
Coding change: c.1280T>C on transcript NM_000388.4 (MANE Select); coding-DNA position 1280, T replaced by C.
Protein change: p.Ile427Thr; replaces isoleucine 427 with threonine.
Molecular consequence: missense variant.
Genome position (GRCh38, 1-based): chr3:122,262,315, T>C. VCF-style: chr3-122262315-T-C. GRCh37 (hg19) VCF-style: chr3-121981162-T-C.
Other names: c.1280T>C, p.Ile427Thr (NM_001178065.2); short protein forms I427T.
Identifiers: ClinVar variation 532604 (VCV000532604.10), dbSNP rs1553766906, ClinGen allele CA354152987.

ClinVar aggregate classification (germline): Uncertain significance (1 of 4 stars; one submission).

Conditions:
Familial hypocalciuric hypercalcemia (FHH). Also called: Familial benign hypercalcemia. Identifiers: Orphanet 405, MedGen C1809471, MONDO:0018458.
Autosomal dominant hypocalcemia 1 (HYPOC1). Also called: HYPOCALCEMIA, FAMILIAL. Identifiers: MedGen C3715128, MONDO:0011013, OMIM 601198.

Allele frequency attached by ClinVar (database versions not stated): gnomAD exomes below 0.00001.
gnomAD v4.1: 1 of 1,614,142 alleles (0.000062%); highest among the groups gnomAD compares: Non-Finnish European, 0.000085%; no homozygotes.

Submission:

Labcorp Genetics (formerly Invitae), Labcorp
Classification: Uncertain significance for Familial hypocalciuric hypercalcemia; Autosomal dominant hypocalcemia 1. Last evaluated: 2023-11-24. Review status: criteria provided, single submitter. Criteria: Invitae Variant Classification Sherloc (09022015). Collection method: clinical testing. Allele origin: germline.
Comment: This sequence change replaces isoleucine, which is neutral and non-polar, with threonine, which is neutral and polar, at codon 427 of the CASR protein (p.Ile427Thr). This variant is not present in population databases (gnomAD no frequency). This variant has not been reported in the literature in individuals affected with CASR-related conditions. ClinVar contains an entry for this variant (Variation ID: 532604). An algorithm developed to predict the effect of missense changes on protein structure and function (PolyPhen-2) suggests that this variant is likely to be disruptive. In summary, the available evidence is currently insufficient to determine the role of this variant in disease. Therefore, it has been classified as a Variant of Uncertain Significance.